The following is an entry in ClinVar:

ClinVar aggregate classification (germline): Uncertain significance. Review status: criteria provided, multiple submitters, no conflicts (2 of 4 stars). 2 submissions from 2 submitters: Uncertain significance (2). Last evaluated 2024-03-28.

Conditions:
Inborn genetic diseases. Identifiers: MedGen C0950123, MeSH D030342.

Allele frequency attached by ClinVar (database versions not stated): TOPMed 0.00002; gnomAD 0.00003; ExAC 0.00004; gnomAD exomes 0.00005; 1000 Genomes Project 30x 0.00016; 1000 Genomes Project 0.00020.
gnomAD v4.1: 79 of 1,613,796 alleles (0.0049%); highest among the groups gnomAD compares: East Asian, 0.085%; no homozygotes.

Submissions (2):

Ambry Genetics
Classification: Uncertain significance for Inborn genetic diseases. Last evaluated: 2024-03-28. Review status: criteria provided, single submitter. Criteria: Ambry Variant Classification Scheme 2023. Collection method: clinical testing. Allele origin: germline.

CeGaT Center for Human Genetics Tuebingen
Classification: Uncertain significance. Last evaluated: 2024-03-01. Review status: criteria provided, single submitter. Criteria: CeGaT Center For Human Genetics Tuebingen Variant Classification Criteria Version 2. Collection method: clinical testing. Allele origin: germline. Affected: yes. Observed: 1 variant allele.
Comment: COLGALT1: PM2, PM3, BP4

NM_024656.4(COLGALT1):c.1579G>A (p.Val527Ile)

Gene: COLGALT1 (collagen beta(1-O)galactosyltransferase 1; plus strand). Cytogenetic location: 19p13.11.
Variant type: single nucleotide variant.
Coding change: c.1579G>A on transcript NM_024656.4 (MANE Select); coding-DNA position 1579, G replaced by A.
Protein change: p.Val527Ile; replaces valine 527 with isoleucine.
Molecular consequence: missense variant.
Genome position (GRCh38, 1-based): chr19:17,580,883, G>A. VCF-style: chr19-17580883-G-A. GRCh37 (hg19) VCF-style: chr19-17691692-G-A.
Other names: c.1579G>A (NM_024656.2); short protein forms V527I.
Identifiers: ClinVar variation 3067333 (VCV003067333.22), dbSNP rs537124242, ClinGen allele CA9297353.
Genomic context (GRCh38, chr19:17,580,883, plus strand): 5'-CGCAAACTGCTGGCTGCTGAGCCGCTCTCCAAGATGCTGCCTGTGGACGAGTTCCTGCCC[G>A]TCATGTTCGACAAACACCCAGTGTGAGAGGGGCAGGCGGCTGCTGGGCTGGGGTTTCACG-3'
Protein context (NP_078932.2, residues 517-537): KMLPVDEFLP[Val527Ile]MFDKHPVSEY